The following is an entry in ClinVar:

ClinVar aggregate classification (germline): Pathogenic (1 of 4 stars; one submission).

Submission:

Labcorp Genetics (formerly Invitae), Labcorp
Classification: Pathogenic. Last evaluated: 2023-06-23. Review status: criteria provided, single submitter. Criteria: Invitae Variant Classification Sherloc (09022015). Collection method: clinical testing. Allele origin: germline.
Comment: This sequence change creates a premature translational stop signal (p.Val1150Leufs*32) in the BRWD3 gene. It is expected to result in an absent or disrupted protein product. Loss-of-function variants in BRWD3 are known to be pathogenic (PMID: 17668385, 24462886). This variant is not present in population databases (gnomAD no frequency). This variant has not been reported in the literature in individuals affected with BRWD3-related conditions. Algorithms developed to predict the effect of sequence changes on RNA splicing suggest that this variant may disrupt the consensus splice site. For these reasons, this variant has been classified as Pathogenic.

Literature cited by the submitters: PubMed 17668385; PubMed 24462886.

NM_153252.5(BRWD3):c.3448del (p.Val1150fs)

Gene: BRWD3 (bromodomain and WD repeat domain containing 3; minus strand). Cytogenetic location: Xq21.1.
Variant type: Deletion.
Coding change: c.3448del on transcript NM_153252.5 (MANE Select); coding-DNA position 3448, one base deleted (G; older notation c.3448delG).
Protein change: p.Val1150fs; shifts the reading frame from valine 1150.
Molecular consequence: frameshift variant.
Genome position (GRCh38, 1-based): chrX:80,691,856, C deleted on the plus strand (G on the coding strand, the reverse complement: BRWD3 is on the minus strand); the first of 3 consecutive C bases (chrX:80,691,856-80,691,858); deleting any one gives the same sequence. VCF-style (leftmost placement, unchanged base first): chrX-80691855-AC-A. GRCh37 (hg19) VCF-style: chrX-79947354-AC-A.
Other names: short protein forms V1150fs.
Identifiers: ClinVar variation 2866301 (VCV002866301.3), dbSNP rs2520236997, ClinGen allele CA2739273599.